The following is an entry in ClinVar:

ClinVar aggregate classification (germline): Uncertain significance (1 of 4 stars; one submission).

Conditions:
COG4-congenital disorder of glycosylation. Also called: CONGENITAL DISORDER OF GLYCOSYLATION, TYPE IIj; CDG IIj; COG4-CDG. Identifiers: Orphanet 263501, MedGen C4303552, MONDO:0013281, OMIM 613489.

Submission:

Labcorp Genetics (formerly Invitae), Labcorp
Classification: Uncertain significance for COG4-congenital disorder of glycosylation. Last evaluated: 2023-06-29. Review status: criteria provided, single submitter. Criteria: Invitae Variant Classification Sherloc (09022015). Collection method: clinical testing. Allele origin: germline.
Comment: This variant has not been reported in the literature in individuals affected with COG4-related conditions. This variant is not present in population databases (gnomAD no frequency). This sequence change replaces phenylalanine, which is neutral and non-polar, with leucine, which is neutral and non-polar, at codon 207 of the COG4 protein (p.Phe207Leu). Advanced modeling of protein sequence and biophysical properties (such as structural, functional, and spatial information, amino acid conservation, physicochemical variation, residue mobility, and thermodynamic stability) performed at Invitae indicates that this missense variant is not expected to disrupt COG4 protein function. In summary, the available evidence is currently insufficient to determine the role of this variant in disease. Therefore, it has been classified as a Variant of Uncertain Significance.

NM_015386.3(COG4):c.619T>C (p.Phe207Leu)

Gene: COG4 (component of oligomeric golgi complex 4; minus strand). Cytogenetic location: 16q22.1.
Variant type: single nucleotide variant.
Coding change: c.619T>C on transcript NM_015386.3 (MANE Select); coding-DNA position 619, T replaced by C.
Protein change: p.Phe207Leu; replaces phenylalanine 207 with leucine.
Molecular consequence: missense variant. On other transcripts: non-coding transcript variant (1).
Genome position (GRCh38, 1-based): chr16:70,512,358, A>G on the plus strand (T>C on the coding strand, the complement: COG4 is on the minus strand). VCF-style: chr16-70512358-A-G. GRCh37 (hg19) VCF-style: chr16-70546261-A-G.
Other names: c.607T>C, p.Phe203Leu (NM_001195139.2); c.193T>C, p.Phe65Leu (NM_001365426.1); short protein forms F207L, F203L, F65L.
Identifiers: ClinVar variation 2721681 (VCV002721681.3), dbSNP rs2507537095, ClinGen allele CA396576966.